The following is an entry in ClinVar:

ClinVar aggregate classification (germline): Uncertain significance. Review status: criteria provided, multiple submitters, no conflicts (2 of 4 stars). 2 submissions from 2 submitters: Uncertain significance (2). Last evaluated 2026-01-13.

Conditions:
Primary ciliary dyskinesia. Also called: Ciliary dyskinesia. Identifiers: Orphanet 244, MedGen C0008780, MONDO:0016575, HP:0012265.

Allele frequency attached by ClinVar (database versions not stated): ExAC 0.00002; gnomAD exomes 0.00002; gnomAD 0.00005; TOPMed 0.00006; ESP Exome Variant Server 0.00015.
gnomAD v4.1: 40 of 1,614,068 alleles (0.0025%); highest among the groups gnomAD compares: Non-Finnish European, 0.0034%; no homozygotes.

Submissions (2):

Labcorp Genetics (formerly Invitae), Labcorp
Classification: Uncertain significance for Primary ciliary dyskinesia. Last evaluated: 2026-01-13. Review status: criteria provided, single submitter. Criteria: Invitae Variant Classification Sherloc (09022015). Collection method: clinical testing. Allele origin: germline.
Comment: This sequence change replaces threonine, which is neutral and polar, with alanine, which is neutral and non-polar, at codon 4125 of the DNAH8 protein (p.Thr4125Ala). This variant is present in population databases (rs376760583, gnomAD 0.004%). This variant has not been reported in the literature in individuals affected with DNAH8-related conditions. ClinVar contains an entry for this variant (Variation ID: 1042919). Invitae Evidence Modeling of protein sequence and biophysical properties (such as structural, functional, and spatial information, amino acid conservation, physicochemical variation, residue mobility, and thermodynamic stability) indicates that this missense variant is not expected to disrupt DNAH8 protein function with a negative predictive value of 80%. In summary, the available evidence is currently insufficient to determine the role of this variant in disease. Therefore, it has been classified as a Variant of Uncertain Significance.

Ambry Genetics
Classification: Uncertain significance. Last evaluated: 2022-09-22. Review status: criteria provided, single submitter. Criteria: Ambry Variant Classification Scheme 2023. Collection method: clinical testing. Allele origin: germline.

NM_001206927.2(DNAH8):c.12373A>G (p.Thr4125Ala)

Genes: DNAH8 (dynein axonemal heavy chain 8; plus strand), DNAH8-AS1 (DNAH8 antisense RNA 1; minus strand). Cytogenetic location: 6p21.2.
Variant type: single nucleotide variant.
Coding change: c.12373A>G on transcript NM_001206927.2 (MANE Select); coding-DNA position 12373, A replaced by G.
Protein change: p.Thr4125Ala; replaces threonine 4125 with alanine.
Molecular consequence: missense variant.
Genome position (GRCh38, 1-based): chr6:38,951,442, A>G. VCF-style: chr6-38951442-A-G. GRCh37 (hg19) VCF-style: chr6-38919218-A-G.
Other names: c.11722A>G, p.Thr3908Ala (NM_001371.4); c.12373A>G (NM_001206927.1); short protein forms T3908A, T4125A.
Identifiers: ClinVar variation 1042919 (VCV001042919.10), dbSNP rs376760583, ClinGen allele CA3791326.